The following is an entry in ClinVar:

ClinVar aggregate classification (germline): Uncertain significance (1 of 4 stars; one submission).

Submission:

GeneDx
Classification: Uncertain significance. Last evaluated: 2021-07-02. Review status: criteria provided, single submitter. Criteria: GeneDx Variant Classification Process June 2021. Collection method: clinical testing. Allele origin: germline. Affected: yes.
Comment: Not observed at significant frequency in large population cohorts (Lek et al., 2016); In silico analysis supports that this variant does not alter splicing; Has not been previously published as pathogenic or benign to our knowledge; This variant is associated with the following publications: (PMID: 27535533)

NM_003672.4(CDC14A):c.1446C>T (p.Ala482=)

Gene: CDC14A (cell division cycle 14A; plus strand). Cytogenetic location: 1p21.2.
Variant type: single nucleotide variant.
Coding change: c.1446C>T on transcript NM_003672.4 (MANE Select); coding-DNA position 1446, C replaced by T.
Protein change: p.Ala482=; no amino-acid change (alanine 482 retained).
Molecular consequence: synonymous variant.
Genome position (GRCh38, 1-based): chr1:100,498,953, C>T. VCF-style: chr1-100498953-C-T. GRCh37 (hg19) VCF-style: chr1-100964509-C-T.
Other names: c.1446C>T, p.Ala482= (NM_033312.3, NM_001319210.2); c.1272C>T, p.Ala424= (NM_001319211.2); c.567C>T, p.Ala189= (NM_001319212.2).
Identifiers: ClinVar variation 1331200 (VCV001331200.2), dbSNP rs2101441568, ClinGen allele CA419315509.
Genomic context (GRCh38, chr1:100,498,953, plus strand): 5'-CTGTTTTTTCCCTCCTCACTTGTGTTTTCCATTCAGCTTTTCCATAAACTCCCGGCTAGC[C>T]AGTTCTCTAGGGAACTTGAATGCTGCAACAGATGATCCAGAGAACAAAAAGACCTCCTCA-3'
Protein context (NP_003663.2, residues 472-492): VRSFSINSRL[Ala482=]SSLGNLNAAT